The following is an entry in ClinVar:

NM_032776.3(JMJD1C):c.1088A>C (p.Asn363Thr)

Gene: JMJD1C (jumonji domain containing 1C; minus strand). Cytogenetic location: 10q21.3.
Variant type: single nucleotide variant.
Coding change: c.1088A>C on transcript NM_032776.3 (MANE Select); coding-DNA position 1088, A replaced by C.
Protein change: p.Asn363Thr; replaces asparagine 363 with threonine.
Molecular consequence: missense variant. On other transcripts: non-coding transcript variant (1).
Genome position (GRCh38, 1-based): chr10:63,215,079, T>G on the plus strand (A>C on the coding strand, the complement: JMJD1C is on the minus strand). VCF-style: chr10-63215079-T-G. GRCh37 (hg19) VCF-style: chr10-64974839-T-G.
Other names: c.542A>C, p.Asn181Thr (NM_001282948.2, NM_001318154.2); c.224A>C, p.Asn75Thr (NM_001318153.2); c.974A>C, p.Asn325Thr (NM_001322252.2); c.431A>C, p.Asn144Thr (NM_001322254.2, NM_001322258.2); short protein forms N75T, N144T, N363T, N181T, N325T.
Identifiers: ClinVar variation 2154222 (VCV002154222.4), dbSNP rs747878554, ClinGen allele CA5518864.
Genomic context (GRCh38, chr10:63,215,079, plus strand): 5'-TTTTCTGAGTCACTGCTCTCAGAAAAGTCTGAAACATTGTCAGTTCGAAGTCTTTTCATA[T>G]TTAGTTTCTTTTCATCCTCCTCAGGTTTCCTTCTTTTATTCATCAAGTGTTTGTTTTTAC-3'
Protein context (NP_116165.1, residues 353-373): RKPEEDEKKL[Asn363Thr]MKRLRTDNVS

ClinVar aggregate classification (germline): Uncertain significance (1 of 4 stars; one submission).

Conditions:
Early Myoclonic Encephalopathy. Identifiers: MedGen C0270855.

Allele frequency attached by ClinVar (database versions not stated): gnomAD exomes below 0.00001; ExAC 0.00001.
gnomAD v4.1: 2 of 1,596,182 alleles (0.00013%); highest among the groups gnomAD compares: Admixed American, 0.0036%; no homozygotes.

Submission:

Labcorp Genetics (formerly Invitae), Labcorp
Classification: Uncertain significance for Early Myoclonic Encephalopathy. Last evaluated: 2023-05-29. Review status: criteria provided, single submitter. Criteria: Invitae Variant Classification Sherloc (09022015). Collection method: clinical testing. Allele origin: germline.
Comment: In summary, the available evidence is currently insufficient to determine the role of this variant in disease. Therefore, it has been classified as a Variant of Uncertain Significance. This sequence change replaces asparagine, which is neutral and polar, with threonine, which is neutral and polar, at codon 363 of the JMJD1C protein (p.Asn363Thr). This variant is present in population databases (rs747878554, gnomAD 0.003%). This variant has not been reported in the literature in individuals affected with JMJD1C-related conditions. ClinVar contains an entry for this variant (Variation ID: 2154222). Advanced modeling of protein sequence and biophysical properties (such as structural, functional, and spatial information, amino acid conservation, physicochemical variation, residue mobility, and thermodynamic stability) performed at Invitae indicates that this missense variant is not expected to disrupt JMJD1C protein function.